The following is an entry in ClinVar:

NM_001100.4(ACTA1):c.509G>A (p.Gly170Asp)

Gene: ACTA1 (actin alpha 1, skeletal muscle; minus strand). Cytogenetic location: 1q42.13.
Variant type: single nucleotide variant.
Coding change: c.509G>A on transcript NM_001100.4 (MANE Select); coding-DNA position 509, G replaced by A.
Protein change: p.Gly170Asp; replaces glycine 170 with aspartic acid.
Molecular consequence: missense variant.
Genome position (GRCh38, 1-based): chr1:229,432,377, C>T on the plus strand (G>A on the coding strand, the complement: ACTA1 is on the minus strand). VCF-style: chr1-229432377-C-T. GRCh37 (hg19) VCF-style: chr1-229568124-C-T.
Other names: short protein forms G170D.
Identifiers: ClinVar variation 1452454 (VCV001452454.8), dbSNP rs2102735950, ClinGen allele CA345148559.

ClinVar aggregate classification (germline): Pathogenic (1 of 4 stars; one submission).

Conditions:
Actin accumulation myopathy (CMYO2A). Also called: Myopathy, actin, congenital, with cores; Nemaline myopathy 3, with intranuclear rods; CONGENITAL MYOPATHY 2A, TYPICAL, AUTOSOMAL DOMINANT; Nemaline myopathy type 3; Myopathy, actin, congenital, with excess of thin myofilaments. Identifiers: Orphanet 98904, MedGen C3711389, MONDO:0008070, OMIM 161800.

Submission:

Labcorp Genetics (formerly Invitae), Labcorp
Classification: Pathogenic for Actin accumulation myopathy. Last evaluated: 2022-05-27. Review status: criteria provided, single submitter. Criteria: Invitae Variant Classification Sherloc (09022015). Collection method: clinical testing. Allele origin: germline.
Comment: This sequence change replaces glycine, which is neutral and non-polar, with aspartic acid, which is acidic and polar, at codon 170 of the ACTA1 protein (p.Gly170Asp). This variant is not present in population databases (gnomAD no frequency). This missense change has been observed in individual(s) with autosomal dominant ACTA1-related conditions (Invitae). In at least one individual the variant was observed to be de novo. Advanced modeling of protein sequence and biophysical properties (such as structural, functional, and spatial information, amino acid conservation, physicochemical variation, residue mobility, and thermodynamic stability) performed at Invitae indicates that this missense variant is expected to disrupt ACTA1 protein function. For these reasons, this variant has been classified as Pathogenic.